The following is an entry in ClinVar:

NM_000038.6(APC):c.6632G>A (p.Gly2211Asp)

Gene: APC (APC regulator of Wnt signaling pathway; plus strand). Cytogenetic location: 5q22.2.
Variant type: single nucleotide variant.
Coding change: c.6632G>A on transcript NM_000038.6 (MANE Select); coding-DNA position 6632, G replaced by A.
Protein change: p.Gly2211Asp; replaces glycine 2211 with aspartic acid.
Molecular consequence: missense variant.
Genome position (GRCh38, 1-based): chr5:112,842,226, G>A. VCF-style: chr5-112842226-G-A. GRCh37 (hg19) VCF-style: chr5-112177923-G-A.
Other names: c.6632G>A, p.Gly2211Asp (NM_001127510.3, NM_001354895.2); c.6578G>A, p.Gly2193Asp (NM_001127511.3); c.6686G>A, p.Gly2229Asp (NM_001354896.2); c.6662G>A, p.Gly2221Asp (NM_001354897.2); c.6557G>A, p.Gly2186Asp (NM_001354898.2); c.6548G>A, p.Gly2183Asp (NM_001354899.2); c.6509G>A, p.Gly2170Asp (NM_001354900.2); c.6455G>A, p.Gly2152Asp (NM_001354901.2); and 6 more; short protein forms G1928D, G2051D, G2085D, G2110D, G2120D, G2152D, G2170D, G2183D.
Identifiers: ClinVar variation 1020394 (VCV001020394.11), dbSNP rs770765557, ClinGen allele CA045578.

ClinVar aggregate classification (germline): Uncertain significance. Review status: criteria provided, multiple submitters, no conflicts (2 of 4 stars). 2 submissions from 2 submitters: Uncertain significance (2). Last evaluated 2025-02-18.

Conditions:
Hereditary cancer-predisposing syndrome. Also called: Tumor predisposition; Neoplastic Syndromes, Hereditary; Hereditary neoplastic syndrome; Hereditary Cancer Syndrome. Identifiers: Orphanet 140162, MedGen C0027672, MeSH D009386, MONDO:0015356.
Familial adenomatous polyposis 1 (FAP1). Also called: POLYPOSIS, ADENOMATOUS INTESTINAL; FAMILIAL ADENOMATOUS POLYPOSIS 1, ATTENUATED. Identifiers: MedGen C2713442, MONDO:0021056, OMIM 175100. Disease mechanism: loss of function.

Allele frequency attached by ClinVar (database versions not stated): gnomAD exomes below 0.00001 and 0.00001; ExAC 0.00001.
gnomAD v4.1: 2 of 1,613,828 alleles (0.00012%); highest among the groups gnomAD compares: Non-Finnish European, 0.00017%; no homozygotes.

Submissions (2):

Labcorp Genetics (formerly Invitae), Labcorp
Classification: Uncertain significance for Familial adenomatous polyposis 1. Last evaluated: 2025-02-18. Review status: criteria provided, single submitter. Criteria: Invitae Variant Classification Sherloc (09022015). Collection method: clinical testing. Allele origin: germline.
Comment: This sequence change replaces glycine, which is neutral and non-polar, with aspartic acid, which is acidic and polar, at codon 2211 of the APC protein (p.Gly2211Asp). This variant is present in population databases (rs770765557, gnomAD 0.002%). This variant has not been reported in the literature in individuals affected with APC-related conditions. ClinVar contains an entry for this variant (Variation ID: 1020394). Invitae Evidence Modeling of protein sequence and biophysical properties (such as structural, functional, and spatial information, amino acid conservation, physicochemical variation, residue mobility, and thermodynamic stability) indicates that this missense variant is not expected to disrupt APC protein function with a negative predictive value of 95%. In summary, the available evidence is currently insufficient to determine the role of this variant in disease. Therefore, it has been classified as a Variant of Uncertain Significance.

Ambry Genetics
Classification: Uncertain significance for Hereditary cancer-predisposing syndrome. Last evaluated: 2024-05-15. Review status: criteria provided, single submitter. Criteria: Ambry Variant Classification Scheme 2023. Collection method: clinical testing. Allele origin: germline.
Comment: The p.G2211D variant (also known as c.6632G>A), located in coding exon 15 of the APC gene, results from a G to A substitution at nucleotide position 6632. The glycine at codon 2211 is replaced by aspartic acid, an amino acid with similar properties. This amino acid position is conserved. In addition, in silico predictors for this gene do not accurately predict pathogenicity. Based on the available evidence, the clinical significance of this variant remains unclear.